The following is an entry in ClinVar:

NM_000059.4(BRCA2):c.574_575del (p.Met192fs)

Gene: BRCA2 (BRCA2 DNA repair associated; plus strand). Cytogenetic location: 13q13.1.
Variant type: Microsatellite.
Coding change: c.574_575del on transcript NM_000059.4 (MANE Select); coding-DNA positions 574 to 575, 2 bases deleted (AT; older notation c.574_575delAT).
Protein change: p.Met192fs; shifts the reading frame from methionine 192.
Molecular consequence: frameshift variant.
Genome position (GRCh38, 1-based): chr13:32,326,556-32,326,557, AT deleted; deleting any 2 consecutive bases within chr13:32,326,554-32,326,557 gives the same sequence; the c. name uses the placement nearest the transcript's 3' end. VCF-style (leftmost placement, unchanged base first): chr13-32326553-GAT-G. GRCh37 (hg19) VCF-style: chr13-32900690-GAT-G.
Other names: 802_803delAT; 802delAT; c.574_575delAT (NM_000059.3); short protein forms M192fs.
Identifiers: ClinVar variation 37993 (VCV000037993.51), dbSNP rs80359533, ClinGen allele CA023057.

ClinVar aggregate classification (germline): Pathogenic. Review status: reviewed by expert panel (3 of 4 stars). 25 submissions from 24 submitters: Pathogenic (1). 24 of the submissions do not count toward it. Last evaluated 2016-04-22.

Conditions:
Pancreatic cancer, susceptibility to, 2. Identifiers: Orphanet 1333, MedGen C3150546, MONDO:0013235, OMIM 613347.
Glioma susceptibility 3 (GLM3). Also called: Glioblastoma 3. Identifiers: Orphanet 182067, Orphanet 360, MedGen C2751641, MONDO:0013093, OMIM 613029.
Familial prostate cancer. Also called: Hereditary Prostate Cancer. Identifiers: MedGen C2931456, MONDO:0700275, OMIM 176807.
Breast-ovarian cancer, familial, susceptibility to, 2 (BROVCA2). Also called: BRCA2 Hereditary Breast and Ovarian Cancer. Identifiers: Orphanet 145, MedGen C2675520, MONDO:0012933, OMIM 612555. Disease mechanism: loss of function.
Fanconi anemia complementation group D1. Also called: BRCA2-Related Fanconi Anemia. Identifiers: Orphanet 319462, MedGen C1838457, MONDO:0011584, OMIM 605724.
Medulloblastoma (MDB). Also called: Medulloblastoma, somatic; MEDULLOBLASTOMA PREDISPOSITION SYNDROME. Identifiers: Orphanet 616, MedGen C0025149, MeSH D008527, MONDO:0007959, OMIM 155255, HP:0002885.
Wilms tumor 1 (WT1). Also called: Wilms tumor, somatic. Identifiers: Orphanet 654, MedGen CN033288, MONDO:0008679, OMIM 194070.
Familial cancer of breast. Also called: BREAST CANCER, FAMILIAL; hereditary breast carcinoma; Hereditary breast cancer. Identifiers: Orphanet 227535, MedGen C0346153, MONDO:0016419, OMIM 114480. Disease mechanism: loss of function.
BRCA2-related cancer predisposition. Identifiers: MedGen CN377758, MONDO:0700269.
BRCA2-related disorder. Also called: BRCA2-related condition; BRCA2-related disorders. Identifiers: MedGen CN239275.
Hereditary cancer-predisposing syndrome. Also called: Neoplastic Syndromes, Hereditary; Tumor predisposition; Hereditary Cancer Syndrome; Hereditary neoplastic syndrome. Identifiers: Orphanet 140162, MedGen C0027672, MeSH D009386, MONDO:0015356.
Hereditary breast ovarian cancer syndrome. Also called: Breast and ovarian cancer; Hereditary breast and ovarian cancer; Hereditary breast and ovarian cancer syndrome (HBOC); Hereditary breast and ovarian cancer syndrome; BRCA1- and BRCA2-Associated Hereditary Breast and Ovarian Cancer; Hereditary breast and/or ovarian cancer syndrome. Identifiers: Orphanet 145, MedGen C0677776, MeSH D061325, MONDO:0003582. Disease mechanism: loss of function.
Malignant tumor of breast. Also called: Cancer breast; Malignant breast neoplasm. Identifiers: MedGen C0006142, MONDO:0007254. Disease mechanism: loss of function.

Submissions 1 to 10 of 25:

Evidence-based Network for the Interpretation of Germline Mutant Alleles (ENIGMA)
Classification: Pathogenic for Breast-ovarian cancer, familial, susceptibility to, 2. Last evaluated: 2016-04-22. Review status: reviewed by expert panel. Criteria: ENIGMA BRCA1/2 Classification Criteria (2015). Collection method: curation. Allele origin: germline.
Comment: Variant allele predicted to encode a truncated non-functional protein.

PreventionGenetics, part of Exact Sciences
Classification: Pathogenic for BRCA2-related condition. Last evaluated: 2026-04-24. Review status: criteria provided, single submitter. Criteria: ACMG Guidelines, 2015. Collection method: clinical testing. Allele origin: germline. Not counted in ClinVar's aggregate classification.
Comment: The BRCA2 c.574_575delAT variant is predicted to result in a frameshift and premature protein termination (p.Met192Valfs*13). This variant is also referred to as 800delAT or 802delAT in the literature. It has been reported in individuals with breast cancer (Evans et al. 2003. PubMed ID: 12960223), ovarian cancer (Table S7, Lilyquist et al. 2017. PubMed ID: 28888541), or pancreatic cancer (Golan et al. 2020. PubMed ID: 32073954). Experimental studies indicate this variant impacts protein function (Stauffer et al. 2020. PubMed ID: 32393813). This variant has not been reported in a large population database (gnomAD), indicating it is rare. This variant is interpreted as pathogenic by the Evidence-based Network for the Interpretation of Germline Mutant Alleles (ENIGMA) expert panel in ClinVar (Variation ID: 37993), and frameshift variants in BRCA2 are expected to be pathogenic. This variant is interpreted as pathogenic.

Labcorp Genetics (formerly Invitae), Labcorp
Classification: Pathogenic for Hereditary breast ovarian cancer syndrome. Last evaluated: 2025-12-26. Review status: criteria provided, single submitter. Criteria: Invitae Variant Classification Sherloc (09022015). Collection method: clinical testing. Allele origin: germline. Not counted in ClinVar's aggregate classification.
Comment: This sequence change creates a premature translational stop signal (p.Met192Valfs*13) in the BRCA2 gene. It is expected to result in an absent or disrupted protein product. Loss-of-function variants in BRCA2 are known to be pathogenic (PMID: 20104584). This variant is not present in population databases (gnomAD no frequency). This premature translational stop signal has been observed in individual(s) with breast and/or ovarian cancer (PMID: 12960223, 26681312). This variant is also known as 800delAT and 802delAT. ClinVar contains an entry for this variant (Variation ID: 37993). For these reasons, this variant has been classified as Pathogenic.

Quest Diagnostics Nichols Institute San Juan Capistrano
Classification: Pathogenic. Last evaluated: 2025-07-29. Review status: criteria provided, single submitter. Criteria: Quest Diagnostics criteria. Collection method: clinical testing. Allele origin: unknown. Not counted in ClinVar's aggregate classification.
Comment: The BRCA2 c.574_575del (p.Met192Valfs*13, also known as 800delAT and 802delAT) variant alters the translational reading frame of the BRCA2 mRNA and causes the premature termination of BRCA2 protein synthesis. This variant has been reported in the published literature in in individuals with breast cancer (PMID: 33758026 (2022), 31090900 (2019), 21913181 (2012)), pancreatic cancer (PMID: 32073954 (2020), 30267352 (2019)), and ovarian cancer (PMID: 28888541 (2017), 24131973 (2013)). The frequency of this variant in the general population (Genome Aggregation Database) is consistent with pathogenicity. Based on the available information, this variant is classified as pathogenic.

ARUP Laboratories, Molecular Genetics and Genomics, ARUP Laboratories
Classification: Pathogenic. Last evaluated: 2025-03-24. Review status: criteria provided, single submitter. Criteria: ARUP Molecular Germline Variant Investigation Process 2024. Collection method: clinical testing. Allele origin: germline. Not counted in ClinVar's aggregate classification.
Comment: The BRCA2 c.574_575delAT; p.Met192ValfsTer13 variant (rs80359533, ClinVar Variation ID: 37993), also known as 800delAT and 802_803delAT, has been described in the literature in individuals and families with breast and ovarian cancer (Evans 2003, Susswein 2016). This variant is absent the Genome Aggregation Database (v2.1.1), indicating it is not a common polymorphism. This variant causes a frameshift by deleting 2 nucleotides, so it is predicted to result in a truncated protein or mRNA subject to nonsense-mediated decay. Based on available information, this variant is considered to be pathogenic. References: Evans DG et al. Sensitivity of BRCA1/2 mutation testing in 466 breast/ovarian cancer families. J Med Genet. 2003 Sep;40(9):e107. PMID: 12960223. Susswein LR et al. Pathogenic and likely pathogenic variant prevalence among the first 10,000 patients referred for next-generation cancer panel testing. Genet Med. 2016 Aug;18(8):823-32. PMID: 26681312.

Revvity Omics, Revvity
Classification: Pathogenic. Last evaluated: 2024-12-19. Review status: criteria provided, single submitter. Criteria: ACMG Guidelines, 2015. Collection method: clinical testing. Allele origin: germline. Not counted in ClinVar's aggregate classification.

Molecular Pathology, Peter Maccallum Cancer Centre
Classification: Pathogenic for Breast-ovarian cancer, familial, susceptibility to, 2. Last evaluated: 2024-09-17. Review status: criteria provided, single submitter. Criteria: ACMG Guidelines, 2015. Collection method: clinical testing. Allele origin: germline. Inheritance: Autosomal dominant inheritance. Not counted in ClinVar's aggregate classification.

Baylor Genetics
Classification: Pathogenic for Familial cancer of breast. Last evaluated: 2024-03-28. Review status: criteria provided, single submitter. Criteria: ACMG Guidelines, 2015. Collection method: clinical testing. Allele origin: unknown. Not counted in ClinVar's aggregate classification.

Fulgent Genetics
Classification: Pathogenic for Familial cancer of breast; Medulloblastoma; Familial prostate cancer; Wilms tumor 1; Fanconi anemia complementation group D1; Breast-ovarian cancer, familial, susceptibility to, 2; Glioma susceptibility 3; Pancreatic cancer, susceptibility to, 2. Last evaluated: 2024-03-23. Review status: criteria provided, single submitter. Criteria: ACMG Guidelines, 2015. Collection method: clinical testing. Allele origin: germline. Not counted in ClinVar's aggregate classification.

Color Diagnostics, LLC DBA Color Health
Classification: Pathogenic for Hereditary cancer-predisposing syndrome. Last evaluated: 2024-01-17. Review status: criteria provided, single submitter. Criteria: ACMG Guidelines, 2015. Collection method: clinical testing. Allele origin: germline. Not counted in ClinVar's aggregate classification.
Comment: This variant deletes 2 nucleotides in exon 7 of the BRCA2 gene, creating a frameshift and premature translation stop signal. This variant is also known as 800delAT in the literature. This variant is expected to result in an absent or non-functional protein product. To our knowledge, functional studies have not been reported for this variant. This variant has been reported in at least six individuals affected with breast and/or ovarian cancer (PMID: 12672316, 21913181, 24094589, 24131973, 26681312, 31090900). This variant has not been identified in the general population by the Genome Aggregation Database (gnomAD). Loss of BRCA2 function is a known mechanism of disease. Based on the available evidence, this variant is classified as Pathogenic.